The following is an entry in ClinVar:

NM_001046.3(SLC12A2):c.297_320del (p.Ala100_Ala107del)

Genes: SLC12A2 (solute carrier family 12 member 2; plus strand), LOC129994526 (ATAC-STARR-seq lymphoblastoid silent region 16295; plus strand). Cytogenetic location: 5q23.3.
Variant type: Deletion.
Coding change: c.297_320del on transcript NM_001046.3 (MANE Select); coding-DNA positions 297 to 320, 24 bases deleted (GGCGGCGGCGGCAGCGGCGGCGGC).
Protein change: p.Ala100_Ala107del.
Molecular consequence: inframe deletion. On other transcripts: non-coding transcript variant (1).
Genome position (GRCh38, 1-based): chr5:128,084,251-128,084,274, GGCGGCGGCGGCAGCGGCGGCGGC deleted; deleting any 24 consecutive bases within chr5:128,084,240-128,084,274 gives the same sequence; the c. name uses the placement nearest the transcript's 3' end. VCF-style (leftmost placement, unchanged base first): chr5-128084239-TGCGGCGGCGGCGGCGGCGGCGGCA-T. GRCh37 (hg19) VCF-style: chr5-127419931-TGCGGCGGCGGCGGCGGCGGCGGCA-T.
Other names: c.297_320del, p.Ala100_Ala107del (NM_001256461.2).
Identifiers: ClinVar variation 1393174 (VCV001393174.7), dbSNP rs560532409, ClinGen allele CA3392758.

ClinVar aggregate classification (germline): Benign/Likely benign. Review status: criteria provided, multiple submitters, no conflicts (2 of 4 stars). 2 submissions from 2 submitters: Benign (1); Likely benign (1). Last evaluated 2026-07-01.

Submissions (2):

CeGaT Center for Human Genetics Tuebingen
Classification: Benign. Last evaluated: 2026-07-01. Review status: criteria provided, single submitter. Criteria: CeGaT Center For Human Genetics Tuebingen Variant Classification Criteria Version 2. Collection method: clinical testing. Allele origin: germline. Affected: yes. Observed: 1 variant allele.
Comment: SLC12A2: BS1, BS2

Labcorp Genetics (formerly Invitae), Labcorp
Classification: Likely benign. Last evaluated: 2025-10-23. Review status: criteria provided, single submitter. Criteria: Invitae Variant Classification Sherloc (09022015). Collection method: clinical testing. Allele origin: germline.